The following is an entry in ClinVar:

ClinVar aggregate classification (germline): Uncertain significance (1 of 4 stars; one submission).

Conditions:
Hereditary cancer-predisposing syndrome. Also called: Hereditary Cancer Syndrome; Hereditary neoplastic syndrome; Tumor predisposition; Neoplastic Syndromes, Hereditary. Identifiers: Orphanet 140162, MedGen C0027672, MeSH D009386, MONDO:0015356.

Submission:

Ambry Genetics
Classification: Uncertain significance for Hereditary cancer-predisposing syndrome. Last evaluated: 2024-11-14. Review status: criteria provided, single submitter. Criteria: Ambry Variant Classification Scheme 2023. Collection method: clinical testing. Allele origin: germline.
Comment: The p.C450F variant (also known as c.1349G>T), located in coding exon 9 of the KIT gene, results from a G to T substitution at nucleotide position 1349. The cysteine at codon 450 is replaced by phenylalanine, an amino acid with highly dissimilar properties. This amino acid position is conserved. In addition, this alteration is predicted to be deleterious by in silico analysis. Based on the available evidence, the clinical significance of this variant remains unclear.

NM_000222.3(KIT):c.1349G>T (p.Cys450Phe)

Gene: KIT (KIT proto-oncogene, receptor tyrosine kinase; plus strand). Cytogenetic location: 4q12.
Variant type: single nucleotide variant.
Coding change: c.1349G>T on transcript NM_000222.3 (MANE Select); coding-DNA position 1349, G replaced by T.
Protein change: p.Cys450Phe; replaces cysteine 450 with phenylalanine.
Molecular consequence: missense variant.
Genome position (GRCh38, 1-based): chr4:54,725,859, G>T. VCF-style: chr4-54725859-G-T. GRCh37 (hg19) VCF-style: chr4-55592025-G-T.
Other names: c.1349G>T, p.Cys450Phe (NM_001093772.2, NM_001385285.1, NM_001385286.1); c.1352G>T, p.Cys451Phe (NM_001385284.1, NM_001385288.1, NM_001385290.1 and 1 more transcripts); short protein forms C451F, C450F.
Identifiers: ClinVar variation 3534733 (VCV003534733.1).